The following is an entry in ClinVar:

NM_000059.4(BRCA2):c.7745_7751del (p.Ala2582fs)

Gene: BRCA2 (BRCA2 DNA repair associated; plus strand). Cytogenetic location: 13q13.1.
Variant type: Deletion.
Coding change: c.7745_7751del on transcript NM_000059.4 (MANE Select); coding-DNA positions 7745 to 7751, 7 bases deleted (CTGATGG; older notation c.7745_7751delCTGATGG).
Protein change: p.Ala2582fs; shifts the reading frame from alanine 2582.
Molecular consequence: frameshift variant.
Genome position (GRCh38, 1-based): chr13:32,357,869-32,357,875, CTGATGG deleted; deleting any 7 consecutive bases within chr13:32,357,866-32,357,875 gives the same sequence; the c. name uses the placement nearest the transcript's 3' end. VCF-style (leftmost placement, unchanged base first): chr13-32357865-TTGGCTGA-T. GRCh37 (hg19) VCF-style: chr13-32932002-TTGGCTGA-T.
Other names: short protein forms A2582fs.
Identifiers: ClinVar variation 644989 (VCV000644989.9), dbSNP rs1593920945, ClinGen allele CA915946877.
Genomic context (GRCh38, chr13:32,357,865, plus strand): 5'-CAGTTTCACACTGAAGATTATTTTGGTAAGGAAAGTTTATGGACTGGAAAAGGAATACAG[TTGGCTGA>T]TGGTGGATGGCTCATACCCTCCAATGATGGAAAGGCTGGAAAAGAAGAATTTTATAGGTA-3'

ClinVar aggregate classification (germline): Pathogenic (1 of 4 stars; one submission).

Conditions:
Hereditary breast ovarian cancer syndrome. Also called: Hereditary breast and ovarian cancer; Hereditary breast and ovarian cancer syndrome; BRCA1- and BRCA2-Associated Hereditary Breast and Ovarian Cancer; Hereditary breast and ovarian cancer syndrome (HBOC); Breast and ovarian cancer; Hereditary breast and/or ovarian cancer syndrome. Identifiers: Orphanet 145, MedGen C0677776, MeSH D061325, MONDO:0003582. Disease mechanism: loss of function.

Submission:

Labcorp Genetics (formerly Invitae), Labcorp
Classification: Pathogenic for Hereditary breast ovarian cancer syndrome. Last evaluated: 2019-02-05. Review status: criteria provided, single submitter. Criteria: Invitae Variant Classification Sherloc (09022015). Collection method: clinical testing. Allele origin: germline.
Comment: For these reasons, this variant has been classified as Pathogenic. Loss-of-function variants in BRCA2 are known to be pathogenic (PMID: 20104584). This variant has not been reported in the literature in individuals with BRCA2-related conditions. This variant is not present in population databases (ExAC no frequency). This sequence change creates a premature translational stop signal (p.Ala2582Valfs*64) in the BRCA2 gene. It is expected to result in an absent or disrupted protein product.

Literature cited by the submitters: PubMed 20104584.